The following is an entry in ClinVar:

NM_000179.3(MSH6):c.1633A>T (p.Lys545Ter)

Gene: MSH6 (mutS homolog 6; plus strand). Cytogenetic location: 2p16.3.
Variant type: single nucleotide variant.
Coding change: c.1633A>T on transcript NM_000179.3 (MANE Select); coding-DNA position 1633, A replaced by T.
Protein change: p.Lys545Ter; replaces lysine 545 with a stop codon.
Molecular consequence: nonsense. On other transcripts: non-coding transcript variant (4), intron variant (2).
Genome position (GRCh38, 1-based): chr2:47,799,616, A>T. VCF-style: chr2-47799616-A-T. GRCh37 (hg19) VCF-style: chr2-48026755-A-T.
Other names: c.1243A>T, p.Lys415Ter (NM_001281492.2); c.727A>T, p.Lys243Ter (NM_001281493.2, NM_001281494.2, NM_001406811.1 and 6 more transcripts); c.1729A>T, p.Lys577Ter (NM_001406795.1, NM_001406802.1); c.1633A>T, p.Lys545Ter (NM_001406796.1, NM_001406798.1, NM_001406800.1 and 3 more transcripts); c.1336A>T, p.Lys446Ter (NM_001406797.1, NM_001406818.1, NM_001406819.1 and 10 more transcripts); c.1108A>T, p.Lys370Ter (NM_001406799.1, NM_001406806.1, NM_001406807.1); c.1639A>T, p.Lys547Ter (NM_001406813.1); c.1606+27A>T (NM_001406817.1); and 3 more; short protein forms K415*, K547*, K243*, K489*, K519*, K545*, K577*, K370*.
Identifiers: ClinVar variation 2708474 (VCV002708474.4), dbSNP rs1064793403, ClinGen allele CA346747170.

ClinVar aggregate classification (germline): Pathogenic. Review status: criteria provided, multiple submitters, no conflicts (2 of 4 stars). 2 submissions from 2 submitters: Pathogenic (2). Last evaluated 2024-03-21.

Conditions:
Hereditary nonpolyposis colorectal neoplasms. Identifiers: MedGen C0009405, MeSH D003123.
Lynch syndrome 5 (LYNCH5). Also called: Hereditary non-polyposis colorectal cancer, type 5; Colorectal cancer, hereditary nonpolyposis, type 5. Identifiers: Orphanet 144, MedGen C1833477, MONDO:0013710, OMIM 614350. Disease mechanism: loss of function.

Submissions (2):

Myriad Genetics, Inc.
Classification: Pathogenic for Lynch syndrome 5. Last evaluated: 2024-03-21. Review status: criteria provided, single submitter. Criteria: Myriad Autosomal Dominant, Autosomal Recessive and X-Linked Classification Criteria (2023). Collection method: clinical testing. Allele origin: unknown.
Comment: This variant is considered pathogenic. This variant creates a termination codon and is predicted to result in premature protein truncation.

Labcorp Genetics (formerly Invitae), Labcorp
Classification: Pathogenic for Hereditary nonpolyposis colorectal neoplasms. Last evaluated: 2024-02-23. Review status: criteria provided, single submitter. Criteria: Invitae Variant Classification Sherloc (09022015). Collection method: clinical testing. Allele origin: germline.
Comment: This sequence change creates a premature translational stop signal (p.Lys545*) in the MSH6 gene. It is expected to result in an absent or disrupted protein product. Loss-of-function variants in MSH6 are known to be pathogenic (PMID: 18269114, 24362816). This variant is not present in population databases (gnomAD no frequency). This variant has not been reported in the literature in individuals affected with MSH6-related conditions. For these reasons, this variant has been classified as Pathogenic.

Literature cited by the submitters: PubMed 18269114 (cited by Labcorp Genetics (formerly Invitae), Labcorp); PubMed 24362816 (cited by Labcorp Genetics (formerly Invitae), Labcorp).